The following is an entry in ClinVar:

NM_002471.4(MYH6):c.3749T>C (p.Val1250Ala)

Gene: MYH6 (myosin heavy chain 6; minus strand). Cytogenetic location: 14q11.2.
Variant type: single nucleotide variant.
Coding change: c.3749T>C on transcript NM_002471.4 (MANE Select); coding-DNA position 3749, T replaced by C.
Protein change: p.Val1250Ala; replaces valine 1250 with alanine.
Molecular consequence: missense variant.
Genome position (GRCh38, 1-based): chr14:23,389,703, A>G on the plus strand (T>C on the coding strand, the complement: MYH6 is on the minus strand). VCF-style: chr14-23389703-A-G. GRCh37 (hg19) VCF-style: chr14-23858912-A-G.
Other names: short protein forms V1250A.
Identifiers: ClinVar variation 1523398 (VCV001523398.8), dbSNP rs767409017, ClinGen allele CA389003895.

ClinVar aggregate classification (germline): Uncertain significance (1 of 4 stars; one submission).

Conditions:
Hypertrophic cardiomyopathy 14. Identifiers: MedGen C2750467, MONDO:0013197, OMIM 613251.

Submission:

Labcorp Genetics (formerly Invitae), Labcorp
Classification: Uncertain significance for Hypertrophic cardiomyopathy 14. Last evaluated: 2021-04-05. Review status: criteria provided, single submitter. Criteria: Invitae Variant Classification Sherloc (09022015). Collection method: clinical testing. Allele origin: germline.
Comment: In summary, the available evidence is currently insufficient to determine the role of this variant in disease. Therefore, it has been classified as a Variant of Uncertain Significance. Algorithms developed to predict the effect of missense changes on protein structure and function are either unavailable or do not agree on the potential impact of this missense change (SIFT: "Deleterious"; PolyPhen-2: "Benign"; Align-GVGD: "Class C0"). This variant has not been reported in the literature in individuals with MYH6-related conditions. This variant is not present in population databases (ExAC no frequency). This sequence change replaces valine with alanine at codon 1250 of the MYH6 protein (p.Val1250Ala). The valine residue is weakly conserved and there is a small physicochemical difference between valine and alanine.